The following is an entry in ClinVar:

ClinVar aggregate classification (germline): Benign/Likely benign. Review status: criteria provided, multiple submitters, no conflicts (2 of 4 stars). 4 submissions from 4 submitters: Benign (2); Likely benign (1). 1 of the submissions does not count toward it. Last evaluated 2022-12-01.

Conditions:
SOX8-related disorder. Also called: SOX8-related condition.

Allele frequency attached by ClinVar (database versions not stated): 1000 Genomes Project 30x 0.00047; 1000 Genomes Project 0.00060; ESP Exome Variant Server 0.00249; TOPMed 0.00288; gnomAD 0.00370 and 0.00387; gnomAD exomes 0.00371 and 0.00500; ExAC 0.00827.

Submissions (4):

CeGaT Center for Human Genetics Tuebingen
Classification: Likely benign. Last evaluated: 2022-12-01. Review status: criteria provided, single submitter. Criteria: CeGaT Center For Human Genetics Tuebingen Variant Classification Criteria Version 2. Collection method: clinical testing. Allele origin: germline. Affected: yes. Observed: 2 variant alleles.
Comment: SOX8: BP4, BP7, BS2

Labcorp Genetics (formerly Invitae), Labcorp
Classification: Benign. Last evaluated: 2018-08-05. Review status: criteria provided, single submitter. Criteria: Invitae Variant Classification Sherloc (09022015). Collection method: clinical testing. Allele origin: germline.

Breakthrough Genomics
Classification: Benign. Review status: criteria provided, single submitter. Criteria: ACMG Guidelines, 2015. Collection method: not provided. Allele origin: germline. Inheritance: Unknown mechanism. Affected: yes.

PreventionGenetics, part of Exact Sciences
Classification: Likely benign for SOX8-related condition. Last evaluated: 2019-05-01. Review status: no assertion criteria provided. Collection method: clinical testing. Allele origin: germline. Not counted in ClinVar's aggregate classification.
Comment: This variant is classified as likely benign based on ACMG/AMP sequence variant interpretation guidelines (Richards et al. 2015 PMID: 25741868, with internal and published modifications).

NM_014587.5(SOX8):c.711G>A (p.Gln237=)

Gene: SOX8 (SRY-box transcription factor 8; plus strand). Cytogenetic location: 16p13.3.
Variant type: single nucleotide variant.
Coding change: c.711G>A on transcript NM_014587.5 (MANE Select); coding-DNA position 711, G replaced by A.
Protein change: p.Gln237=; no amino-acid change (glutamine 237 retained).
Molecular consequence: synonymous variant.
Genome position (GRCh38, 1-based): chr16:984,756, G>A. VCF-style: chr16-984756-G-A. GRCh37 (hg19) VCF-style: chr16-1034756-G-A.
Identifiers: ClinVar variation 782343 (VCV000782343.29), dbSNP rs183697287, ClinGen allele CA7798220.